The following is an entry in ClinVar:

NM_002471.4(MYH6):c.5029G>A (p.Glu1677Lys)

Genes: MYH6 (myosin heavy chain 6; minus strand), LOC126861896 (BRD4-independent group 4 enhancer GRCh37_chr14:23854904-23856103; plus strand). Cytogenetic location: 14q11.2.
Variant type: single nucleotide variant.
Coding change: c.5029G>A on transcript NM_002471.4 (MANE Select); coding-DNA position 5029, G replaced by A.
Protein change: p.Glu1677Lys; replaces glutamic acid 1677 with lysine.
Molecular consequence: missense variant.
Genome position (GRCh38, 1-based): chr14:23,386,062, C>T on the plus strand (G>A on the coding strand, the complement: MYH6 is on the minus strand). VCF-style: chr14-23386062-C-T. GRCh37 (hg19) VCF-style: chr14-23855271-C-T.
Other names: short protein forms E1677K.
Identifiers: ClinVar variation 4614604 (VCV004614604.1).

ClinVar aggregate classification (germline): Uncertain significance (1 of 4 stars; one submission).

Conditions:
Cardiovascular phenotype. Identifiers: MedGen CN230736.

gnomAD v4.1: 5 of 1,614,232 alleles (0.00031%); highest among the groups gnomAD compares: African/African-American, 0.0013%; no homozygotes.

Submission:

Ambry Genetics
Classification: Uncertain significance for Cardiovascular phenotype. Last evaluated: 2025-10-10. Review status: criteria provided, single submitter. Criteria: Ambry Variant Classification Scheme 2023. Collection method: clinical testing. Allele origin: germline.
Comment: The p.E1677K variant (also known as c.5029G>A), located in coding exon 32 of the MYH6 gene, results from a G to A substitution at nucleotide position 5029. The glutamic acid at codon 1677 is replaced by lysine, an amino acid with similar properties. This variant was detected in a control cohort (Mazzarotto F et al. Circulation, 2020 Feb;141:387-398). This amino acid position is highly conserved in available vertebrate species. In addition, the in silico prediction for this alteration is inconclusive. Based on the available evidence, the clinical significance of this variant remains unclear.

Literature cited by the submitters: PubMed 31983221.